The following is an entry in ClinVar:

ClinVar aggregate classification (germline): Likely benign (1 of 4 stars; one submission).

Conditions:
TBX3-related disorder. Also called: TBX3-related condition.

gnomAD v4.1: 4 of 1,553,078 alleles (0.00026%); highest among the groups gnomAD compares: Admixed American, 0.0058%; no homozygotes.

Submission:

PreventionGenetics, part of Exact Sciences
Classification: Likely benign for TBX3-related condition. Last evaluated: 2024-10-07. Review status: criteria provided, single submitter. Criteria: ACMG Guidelines, 2015. Collection method: clinical testing. Allele origin: germline.
Comment: This variant is classified as likely benign based on ACMG/AMP sequence variant interpretation guidelines (Richards et al. 2015 PMID: 25741868, with internal and published modifications).

NM_005996.4(TBX3):c.*7C>T

Gene: TBX3 (T-box transcription factor 3; minus strand). Cytogenetic location: 12q24.21.
Variant type: single nucleotide variant.
Coding change: c.*7C>T on transcript NM_005996.4 (MANE Select); 7 bases downstream of the stop codon, C replaced by T.
Molecular consequence: 3 prime UTR variant.
Genome position (GRCh38, 1-based): chr12:114,671,834, G>A on the plus strand (C>T on the coding strand, the complement: TBX3 is on the minus strand). VCF-style: chr12-114671834-G-A. GRCh37 (hg19) VCF-style: chr12-115109639-G-A.
Other names: c.*7C>T (NM_016569.4).
Identifiers: ClinVar variation 4989756 (VCV004989756.1).